The following is an entry in ClinVar:

NM_001379451.1(BCORL1):c.4609G>A (p.Ala1537Thr)

Gene: BCORL1 (BCL6 corepressor like 1; plus strand). Cytogenetic location: Xq26.1.
Variant type: single nucleotide variant.
Coding change: c.4609G>A on transcript NM_001379451.1 (MANE Select); coding-DNA position 4609, G replaced by A.
Protein change: p.Ala1537Thr; replaces alanine 1537 with threonine.
Molecular consequence: missense variant.
Genome position (GRCh38, 1-based): chrX:130,037,448, G>A. VCF-style: chrX-130037448-G-A. GRCh37 (hg19) VCF-style: chrX-129171423-G-A.
Other names: c.4609G>A, p.Ala1537Thr (NM_001184772.3, NM_001379450.1); c.4387G>A, p.Ala1463Thr (NM_021946.5); short protein forms A1463T, A1537T.
Identifiers: ClinVar variation 3384550 (VCV003384550.1).
Genomic context (GRCh38, chrX:130,037,448, plus strand): 5'-CAGAAAGACAGTGAAGATGTGAATCACCGTGACAATGCTGGCTACACAGCCCTGCATGAG[G>A]CTTGTTCCCGGGGCTGGACCGACATCCTGAACATCCTGCTGGAGCACGGGGCCAACGTGA-3'
Protein context (NP_001366380.1, residues 1527-1547): DNAGYTALHE[Ala1537Thr]CSRGWTDILN

ClinVar aggregate classification (germline): Uncertain significance (1 of 4 stars; one submission).

gnomAD v4.1: 2 of 1,211,749 alleles (0.00017%); no homozygotes.

Submission:

GeneDx
Classification: Uncertain significance. Last evaluated: 2024-06-03. Review status: criteria provided, single submitter. Criteria: GeneDx Variant Classification Process June 2021. Collection method: clinical testing. Allele origin: germline. Affected: yes.
Comment: Not observed at significant frequency in large population cohorts (gnomAD); In silico analysis supports that this missense variant has a deleterious effect on protein structure/function; Has not been previously published as pathogenic or benign to our knowledge